The following is an entry in ClinVar:

ClinVar aggregate classification (germline): Uncertain significance (1 of 4 stars; one submission).

Conditions:
Hereditary pancreatitis (PCTT). Also called: Hereditary chronic pancreatitis; PRSS1-Related Hereditary Pancreatitis. Identifiers: Orphanet 676, MedGen C0238339, MONDO:0008185, OMIM 167800.

Submission:

Ambry Genetics
Classification: Uncertain significance for Hereditary pancreatitis. Last evaluated: 2024-05-24. Review status: criteria provided, single submitter. Criteria: Ambry Variant Classification Scheme 2023. Collection method: clinical testing. Allele origin: germline.
Comment: The p.I111V variant (also known as c.331A>G), located in coding exon 3 of the PRSS1 gene, results from an A to G substitution at nucleotide position 331. The isoleucine at codon 111 is replaced by valine, an amino acid with highly similar properties. This amino acid position is conserved. In addition, the in silico prediction for this alteration is inconclusive. Since supporting evidence is limited at this time, the clinical significance of this alteration remains unclear.

NM_002769.5(PRSS1):c.331A>G (p.Ile111Val)

Genes: TRB (T cell receptor beta locus; plus strand), PRSS1 (serine protease 1; plus strand). Cytogenetic location: 7q34.
Variant type: single nucleotide variant.
Coding change: c.331A>G on transcript NM_002769.5 (MANE Select); coding-DNA position 331, A replaced by G.
Protein change: p.Ile111Val; replaces isoleucine 111 with valine.
Molecular consequence: missense variant. On other transcripts: non-coding transcript variant (4).
Genome position (GRCh38, 1-based): chr7:142,751,904, A>G. VCF-style: chr7-142751904-A-G. GRCh37 (hg19) VCF-style: chr7-142459755-A-G.
Other names: short protein forms I111V.
Identifiers: ClinVar variation 1730170 (VCV001730170.3), dbSNP rs2485753750, ClinGen allele CA369608823.